The following is an entry in ClinVar:

ClinVar aggregate classification (germline): not provided (0 of 4 stars; one submission).

Allele frequency attached by ClinVar (database versions not stated): 1000 Genomes Project 0.06589; gnomAD exomes 0.10850 and 0.12305; TOPMed 0.08014; gnomAD 0.08773 and 0.08405; 1000 Genomes Project 30x 0.06465; ExAC 0.17616.

Submission:

ITMI
No classification provided. Condition: AllHighlyPenetrant. Last evaluated: 2013-09-19. Review status: no classification provided. Collection method: reference population. Allele origin: germline.
Comment: Please see associated publication for description of ethnicities

Literature cited by the submitters: PubMed 24728327.

NM_001289936.2(ERBB2):c.22C>A (p.Pro8Thr)

Gene: ERBB2 (erb-b2 receptor tyrosine kinase 2; plus strand). Cytogenetic location: 17q12.
Variant type: single nucleotide variant.
Coding change: c.22C>A on transcript NM_001289936.2; coding-DNA position 22, C replaced by A.
Protein change: p.Pro8Thr; replaces proline 8 with threonine.
Molecular consequence: missense variant. On other transcripts: intron variant (3).
Genome position (GRCh38, 1-based): chr17:39,699,581, C>A. VCF-style: chr17-39699581-C-A. GRCh37 (hg19) VCF-style: chr17-37855834-C-A.
Other names: c.-18+4400C>A (NM_001382782.1, NM_001005862.3, NM_001289938.2); short protein forms P8T.
Identifiers: ClinVar variation 135519 (VCV000135519.3), dbSNP rs4252596, ClinGen allele CA162974.